The following is an entry in ClinVar:

ClinVar aggregate classification (germline): Uncertain significance (1 of 4 stars; one submission).

gnomAD v4.1: 1 of 1,613,090 alleles (0.000062%); no homozygotes.

Submission:

Labcorp Genetics (formerly Invitae), Labcorp
Classification: Uncertain significance. Last evaluated: 2022-02-04. Review status: criteria provided, single submitter. Criteria: Invitae Variant Classification Sherloc (09022015). Collection method: clinical testing. Allele origin: germline.
Comment: This sequence change replaces proline, which is neutral and non-polar, with arginine, which is basic and polar, at codon 1179 of the COL11A2 protein (p.Pro1179Arg). This variant is not present in population databases (gnomAD no frequency). This variant has not been reported in the literature in individuals affected with COL11A2-related conditions. Advanced modeling of protein sequence and biophysical properties (such as structural, functional, and spatial information, amino acid conservation, physicochemical variation, residue mobility, and thermodynamic stability) performed at Invitae indicates that this missense variant is not expected to disrupt COL11A2 protein function. In summary, the available evidence is currently insufficient to determine the role of this variant in disease. Therefore, it has been classified as a Variant of Uncertain Significance.

NM_080680.3(COL11A2):c.3536C>G (p.Pro1179Arg)

Gene: COL11A2 (collagen type XI alpha 2 chain; minus strand). Cytogenetic location: 6p21.32.
Variant type: single nucleotide variant.
Coding change: c.3536C>G on transcript NM_080680.3 (MANE Select); coding-DNA position 3536, C replaced by G.
Protein change: p.Pro1179Arg; replaces proline 1179 with arginine.
Molecular consequence: missense variant.
Genome position (GRCh38, 1-based): chr6:33,170,372, G>C on the plus strand (C>G on the coding strand, the complement: COL11A2 is on the minus strand). VCF-style: chr6-33170372-G-C. GRCh37 (hg19) VCF-style: chr6-33138149-G-C.
Other names: c.3215C>G, p.Pro1072Arg (NM_080679.3); c.3278C>G, p.Pro1093Arg (NM_080681.3); short protein forms P1072R, P1093R, P1179R.
Identifiers: ClinVar variation 1385405 (VCV001385405.3), dbSNP rs2150539639, ClinGen allele CA363629864.